The following is an entry in ClinVar:

ClinVar aggregate classification (germline): Uncertain significance. Review status: criteria provided, multiple submitters, no conflicts (2 of 4 stars). 2 submissions from 2 submitters: Uncertain significance (2). Last evaluated 2026-05-11.

Conditions:
Inborn genetic diseases. Identifiers: MedGen C0950123, MeSH D030342.
TBX3-related disorder. Also called: TBX3-related condition.

gnomAD v4.1: 2 of 1,562,870 alleles (0.00013%); highest among the groups gnomAD compares: Non-Finnish European, 0.00017%; no homozygotes.

Submissions (2):

PreventionGenetics, part of Exact Sciences
Classification: Uncertain significance for TBX3-related condition. Last evaluated: 2026-05-11. Review status: criteria provided, single submitter. Criteria: ACMG Guidelines, 2015. Collection method: clinical testing. Allele origin: germline.
Comment: The TBX3 c.1781T>C variant is predicted to result in the amino acid substitution p.Met594Thr. To our knowledge, this variant has not been reported in the literature or in a large population database (gnomAD), indicating this variant is rare. At this time, the clinical significance of this variant is uncertain due to the absence of conclusive functional and genetic evidence.

Ambry Genetics
Classification: Uncertain significance for Inborn genetic diseases. Last evaluated: 2025-08-10. Review status: criteria provided, single submitter. Criteria: Ambry Variant Classification Scheme 2023. Collection method: clinical testing. Allele origin: germline.

NM_005996.4(TBX3):c.1721T>C (p.Met574Thr)

Gene: TBX3 (T-box transcription factor 3; minus strand). Cytogenetic location: 12q24.21.
Variant type: single nucleotide variant.
Coding change: c.1721T>C on transcript NM_005996.4 (MANE Select); coding-DNA position 1721, T replaced by C.
Protein change: p.Met574Thr; replaces methionine 574 with threonine.
Molecular consequence: missense variant.
Genome position (GRCh38, 1-based): chr12:114,672,292, A>G on the plus strand (T>C on the coding strand, the complement: TBX3 is on the minus strand). VCF-style: chr12-114672292-A-G. GRCh37 (hg19) VCF-style: chr12-115110097-A-G.
Other names: c.1781T>C (NM_016569.3); c.1781T>C, p.Met594Thr (NM_016569.4); short protein forms M574T, M594T.
Identifiers: ClinVar variation 4181288 (VCV004181288.2).
Genomic context (GRCh38, chr12:114,672,292, plus strand): 5'-GCGGCCGCCGCTGCGGCCATGTACGTGTAGGGGTAAGGGAACAGGCTTCCGAAAGGGGAC[A>G]TGGCCAGGCCCTGGGGTGAGAAAAGAGACACACAGCGAGTCAGCCGGGTGGGAGGAGCTT-3'
Protein context (NP_005987.3, residues 564-584): QHVLASQGLA[Met574Thr]SPFGSLFPYP